The following is an entry in ClinVar:

ClinVar aggregate classification (germline): Likely benign. Review status: criteria provided, multiple submitters, no conflicts (2 of 4 stars). 5 submissions from 5 submitters: Likely benign (5). Last evaluated 2025-05-23.

Conditions:
Inborn genetic diseases. Identifiers: MedGen C0950123, MeSH D030342.
Developmental and epileptic encephalopathy, 25 (DEE25). Also called: Epileptic encephalopathy, early infantile, 25; Developmental and epileptic encephalopathy 25, with amelogenesis imperfecta; Epileptic encephalopathy, early infantile, 25, with amelogenesis imperfecta. Identifiers: Orphanet 442835, MedGen C4014621, MONDO:0014392, OMIM 615905.

Allele frequency attached by ClinVar (database versions not stated): ExAC 0.00001; gnomAD exomes 0.00005; ESP Exome Variant Server 0.00008; TOPMed 0.00011; gnomAD 0.00016.
gnomAD v4.1: 89 of 1,614,046 alleles (0.0055%); highest among the groups gnomAD compares: African/African-American, 0.043%; no homozygotes.

Submissions (5):

Labcorp Genetics (formerly Invitae), Labcorp
Classification: Likely benign for Developmental and epileptic encephalopathy, 25. Last evaluated: 2025-05-23. Review status: criteria provided, single submitter. Criteria: Invitae Variant Classification Sherloc (09022015). Collection method: clinical testing. Allele origin: germline.

Blueprint Genetics
Classification: Likely benign. Last evaluated: 2023-10-20. Review status: criteria provided, single submitter. Criteria: ACMG Guidelines, 2015. Collection method: clinical testing. Allele origin: germline.

CeGaT Center for Human Genetics Tuebingen
Classification: Likely benign. Last evaluated: 2023-03-01. Review status: criteria provided, single submitter. Criteria: CeGaT Center For Human Genetics Tuebingen Variant Classification Criteria Version 2. Collection method: clinical testing. Allele origin: germline. Affected: yes. Observed: 1 variant allele.
Comment: SLC13A5: BP4, BP7

GeneDx
Classification: Likely benign. Last evaluated: 2020-07-13. Review status: criteria provided, single submitter. Criteria: GeneDx Variant Classification Process June 2021. Collection method: clinical testing. Allele origin: germline. Affected: yes.

Ambry Genetics
Classification: Likely benign for Inborn genetic diseases. Last evaluated: 2019-08-01. Review status: criteria provided, single submitter. Criteria: Ambry Variant Classification Scheme 2023. Collection method: clinical testing. Allele origin: germline.

NM_177550.5(SLC13A5):c.285C>T (p.Ile95=)

Gene: SLC13A5 (solute carrier family 13 member 5; minus strand). Cytogenetic location: 17p13.1.
Variant type: single nucleotide variant.
Coding change: c.285C>T on transcript NM_177550.5 (MANE Select); coding-DNA position 285, C replaced by T.
Protein change: p.Ile95=; no amino-acid change (isoleucine 95 retained).
Molecular consequence: synonymous variant.
Genome position (GRCh38, 1-based): chr17:6,706,725, G>A on the plus strand (C>T on the coding strand, the complement: SLC13A5 is on the minus strand). VCF-style: chr17-6706725-G-A. GRCh37 (hg19) VCF-style: chr17-6610044-G-A.
Other names: c.285C>T, p.Ile95= (NM_001143838.3, NM_001284509.2); c.156C>T, p.Ile52= (NM_001284510.2).
Identifiers: ClinVar variation 475196 (VCV000475196.41), dbSNP rs149068818, ClinGen allele CA8331789.